The following is an entry in ClinVar:

ClinVar aggregate classification (germline): Uncertain significance (1 of 4 stars; one submission).

Submission:

Labcorp Genetics (formerly Invitae), Labcorp
Classification: Uncertain significance. Last evaluated: 2022-09-06. Review status: criteria provided, single submitter. Criteria: Invitae Variant Classification Sherloc (09022015). Collection method: clinical testing. Allele origin: germline.
Comment: In summary, the available evidence is currently insufficient to determine the role of this variant in disease. Therefore, it has been classified as a Variant of Uncertain Significance. Algorithms developed to predict the effect of missense changes on protein structure and function are either unavailable or do not agree on the potential impact of this missense change (SIFT: "Deleterious"; PolyPhen-2: "Possibly Damaging"; Align-GVGD: "Class C0"). This variant has not been reported in the literature in individuals affected with SRP72-related conditions. This sequence change replaces isoleucine, which is neutral and non-polar, with methionine, which is neutral and non-polar, at codon 235 of the SRP72 protein (p.Ile235Met). This variant is not present in population databases (gnomAD no frequency).

NM_006947.4(SRP72):c.705T>G (p.Ile235Met)

Gene: SRP72 (signal recognition particle 72; plus strand). Cytogenetic location: 4q12.
Variant type: single nucleotide variant.
Coding change: c.705T>G on transcript NM_006947.4 (MANE Select); coding-DNA position 705, T replaced by G.
Protein change: p.Ile235Met; replaces isoleucine 235 with methionine.
Molecular consequence: missense variant. On other transcripts: non-coding transcript variant (1), intron variant (1).
Genome position (GRCh38, 1-based): chr4:56,478,441, T>G. VCF-style: chr4-56478441-T-G. GRCh37 (hg19) VCF-style: chr4-57344607-T-G.
Other names: c.642+1739T>G (NM_001267722.2); short protein forms I235M.
Identifiers: ClinVar variation 1718944 (VCV001718944.5), dbSNP rs1720335822, ClinGen allele CA356997885.